The following is an entry in ClinVar:

NM_000270.4(PNP):c.553C>A (p.Arg185Ser)

Gene: PNP (purine nucleoside phosphorylase; plus strand). Cytogenetic location: 14q11.2.
Variant type: single nucleotide variant.
Coding change: c.553C>A on transcript NM_000270.4 (MANE Select); coding-DNA position 553, C replaced by A.
Protein change: p.Arg185Ser; replaces arginine 185 with serine.
Molecular consequence: missense variant.
Genome position (GRCh38, 1-based): chr14:20,475,153, C>A. VCF-style: chr14-20475153-C-A. GRCh37 (hg19) VCF-style: chr14-20943312-C-A.
Other names: short protein forms R185S.
Identifiers: ClinVar variation 430407 (VCV000430407.7), dbSNP rs373569964, ClinGen allele CA7082165.

ClinVar aggregate classification (germline): Uncertain significance. Review status: criteria provided, multiple submitters, no conflicts (2 of 4 stars). 2 submissions from 2 submitters: Uncertain significance (2). Last evaluated 2021-08-31.

Conditions:
Purine-nucleoside phosphorylase deficiency. Also called: Immunodeficiency due to purine nucleoside phosphorylase deficiency; NUCLEOSIDE PHOSPHORYLASE DEFICIENCY. Identifiers: Orphanet 760, MedGen C0268125, MONDO:0013171, OMIM 613179.

Submissions (2):

Labcorp Genetics (formerly Invitae), Labcorp
Classification: Uncertain significance for Purine-nucleoside phosphorylase deficiency. Last evaluated: 2021-08-31. Review status: criteria provided, single submitter. Criteria: Invitae Variant Classification Sherloc (09022015). Collection method: clinical testing. Allele origin: germline.
Comment: This sequence change replaces arginine with serine at codon 185 of the PNP protein (p.Arg185Ser). The arginine residue is moderately conserved and there is a moderate physicochemical difference between arginine and serine. This variant is present in population databases (rs373569964, ExAC 0.03%). This variant has not been reported in the literature in individuals affected with PNP-related conditions. Algorithms developed to predict the effect of missense changes on protein structure and function (SIFT, PolyPhen-2, Align-GVGD) all suggest that this variant is likely to be tolerated. In summary, the available evidence is currently insufficient to determine the role of this variant in disease. Therefore, it has been classified as a Variant of Uncertain Significance.

GeneDx
Classification: Uncertain significance. Last evaluated: 2017-05-19. Review status: criteria provided, single submitter. Criteria: GeneDx Variant Classification (06012015). Collection method: clinical testing. Allele origin: germline. Affected: yes.
Comment: The R185S variant has not been published as a pathogenic variant, nor has it been reported as a benign variant to our knowledge. The variant is not observed at a significant frequency in large population cohorts (Lek et al., 2016; 1000 Genomes Consortium et al., 2015; Exome Variant Server). R185S is a semi-conservative amino acid substitution, which may impact secondary protein structure as these residues differ in some properties. This substitution occurs at a position that is conserved in mammals; however, in silico analysis is inconsistent in its predictions as to whether or not the variant is damaging to the protein structure/function. In summary, based on the currently available information, it is unclear whether this variant is a pathogenic variant or a rare benign variant.